The following is an entry in ClinVar:

NM_004655.4(AXIN2):c.1145A>G (p.Lys382Arg)

Gene: AXIN2 (axin 2; minus strand). Cytogenetic location: 17q24.1.
Variant type: single nucleotide variant.
Coding change: c.1145A>G on transcript NM_004655.4 (MANE Select); coding-DNA position 1145, A replaced by G.
Protein change: p.Lys382Arg; replaces lysine 382 with arginine.
Molecular consequence: missense variant.
Genome position (GRCh38, 1-based): chr17:65,538,258, T>C on the plus strand (A>G on the coding strand, the complement: AXIN2 is on the minus strand). VCF-style: chr17-65538258-T-C. GRCh37 (hg19) VCF-style: chr17-63534376-T-C.
Other names: c.1145A>G (LRG_296t1); c.1145A>G, p.Lys382Arg (NM_001363813.1); short protein forms K382R.
Identifiers: ClinVar variation 239978 (VCV000239978.8), dbSNP rs878854717, ClinGen allele CA10583653.
Genomic context (GRCh38, chr17:65,538,258, plus strand): 5'-ATTACCTCTCGGATCTGCTGCAGGCGCTCCTCCAGGCTGTGGCGGCTCTCCAACTCCAGC[T>C]TCAGCTTTTCCAGCCTCGAGATCAGCTCAGCTGCAAAGGTGGCGGGTTCCACGGGGGTCA-3'
Protein context (NP_004646.3, residues 372-392): AELISRLEKL[Lys382Arg]LELESRHSLE

ClinVar aggregate classification (germline): Uncertain significance (1 of 4 stars; one submission).

Conditions:
Oligodontia-cancer predisposition syndrome. Also called: TOOTH AGENESIS-COLORECTAL CANCER SYNDROME. Identifiers: Orphanet 300576, MedGen C1837750, MONDO:0012075, OMIM 608615. Disease mechanism: loss of function.

Submission:

Labcorp Genetics (formerly Invitae), Labcorp
Classification: Uncertain significance for Oligodontia-cancer predisposition syndrome. Last evaluated: 2016-02-14. Review status: criteria provided, single submitter. Criteria: Invitae Variant Classification Sherloc (09022015). Collection method: clinical testing. Allele origin: germline.
Comment: This sequence change replaces lysine with arginine at codon 382 of the AXIN2 protein (p.Lys382Arg). The lysine residue is moderately conserved and there is a small physicochemical difference between lysine and arginine. This variant is not present in population databases (ExAC no frequency) and has not been reported in the literature in individuals with a AXIN2-related disease. Algorithms developed to predict the effect of missense changes on protein structure and function (SIFT, PolyPhen-2, Align-GVGD) all suggest that this variant is likely to be tolerated, but these predictions have not been confirmed by published functional studies. In summary, this is a novel missense change that is not predicted to affect protein function or cause disease. However, the evidence is insufficient at this time to prove that conclusively. It has been classified as a Variant of Uncertain Significance.